The following is an entry in ClinVar:

NM_014140.4(SMARCAL1):c.1224dup (p.Leu409fs)

Gene: SMARCAL1 (SNF2 related chromatin remodeling annealing helicase 1; plus strand). Cytogenetic location: 2q35.
Variant type: Duplication.
Coding change: c.1224dup on transcript NM_014140.4 (MANE Select); coding-DNA position 1224, one base duplicated (G; older notation c.1224dupG).
Protein change: p.Leu409fs; shifts the reading frame from leucine 409.
Molecular consequence: frameshift variant.
Genome position (GRCh38, 1-based): chr2:216,428,672, G duplicated. VCF-style (leftmost placement, unchanged base first): chr2-216428671-A-AG. GRCh37 (hg19) VCF-style: chr2-217293394-A-AG.
Other names: c.1224dup, p.Leu409fs (NM_001127207.2); short protein forms L409fs.
Identifiers: ClinVar variation 1997648 (VCV001997648.4), dbSNP rs2469633269, ClinGen allele CA2580065676.

ClinVar aggregate classification (germline): Pathogenic (1 of 4 stars; one submission).

Conditions:
Schimke immuno-osseous dysplasia (SIOD). Also called: Schimke Immunoosseous Dysplasia. Identifiers: Orphanet 1830, MedGen C0877024, MONDO:0009458, OMIM 242900.

Submission:

Labcorp Genetics (formerly Invitae), Labcorp
Classification: Pathogenic for Schimke immuno-osseous dysplasia. Last evaluated: 2024-02-24. Review status: criteria provided, single submitter. Criteria: Invitae Variant Classification Sherloc (09022015). Collection method: clinical testing. Allele origin: germline.
Comment: This sequence change creates a premature translational stop signal (p.Leu409Alafs*19) in the SMARCAL1 gene. It is expected to result in an absent or disrupted protein product. Loss-of-function variants in SMARCAL1 are known to be pathogenic (PMID: 11799392, 20301550). This variant is not present in population databases (gnomAD no frequency). This variant has not been reported in the literature in individuals affected with SMARCAL1-related conditions. ClinVar contains an entry for this variant (Variation ID: 1997648). Algorithms developed to predict the effect of sequence changes on RNA splicing suggest that this variant may create or strengthen a splice site. For these reasons, this variant has been classified as Pathogenic.

Literature cited by the submitters: PubMed 11799392; PubMed 20301550.